The following is an entry in ClinVar:

NM_021083.4(XK):c.178C>G (p.Arg60Gly)

Gene: XK (X-linked Kx blood group antigen, Kell and VPS13A binding protein; plus strand). Cytogenetic location: Xp21.1.
Variant type: single nucleotide variant.
Coding change: c.178C>G on transcript NM_021083.4 (MANE Select); coding-DNA position 178, C replaced by G.
Protein change: p.Arg60Gly; replaces arginine 60 with glycine.
Molecular consequence: missense variant.
Genome position (GRCh38, 1-based): chrX:37,686,139, C>G. VCF-style: chrX-37686139-C-G. GRCh37 (hg19) VCF-style: chrX-37545392-C-G.
Other names: short protein forms R60G.
Identifiers: ClinVar variation 4701332 (VCV004701332.1).

ClinVar aggregate classification (germline): Uncertain significance (1 of 4 stars; one submission).

Submission:

Labcorp Genetics (formerly Invitae), Labcorp
Classification: Uncertain significance. Last evaluated: 2025-12-19. Review status: criteria provided, single submitter. Criteria: Invitae Variant Classification Sherloc (09022015). Collection method: clinical testing. Allele origin: germline.
Comment: This sequence change replaces arginine, which is basic and polar, with glycine, which is neutral and non-polar, at codon 60 of the XK protein (p.Arg60Gly). This variant is not present in population databases (gnomAD no frequency). This variant has not been reported in the literature in individuals affected with XK-related conditions. Invitae Evidence Modeling of protein sequence and biophysical properties (such as structural, functional, and spatial information, amino acid conservation, physicochemical variation, residue mobility, and thermodynamic stability) indicates that this missense variant is not expected to disrupt XK protein function with a negative predictive value of 80%. In summary, the available evidence is currently insufficient to determine the role of this variant in disease. Therefore, it has been classified as a Variant of Uncertain Significance.